The following is an entry in ClinVar:

ClinVar aggregate classification (germline): Uncertain significance (1 of 4 stars; one submission).

Submission:

CeGaT Center for Human Genetics Tuebingen
Classification: Uncertain significance. Last evaluated: 2026-09-01. Review status: criteria provided, single submitter. Criteria: CeGaT Center For Human Genetics Tuebingen Variant Classification Criteria Version 2. Collection method: clinical testing. Allele origin: germline. Affected: yes. Observed: 1 variant allele.
Comment: SCN10A: PM2

NM_006514.4(SCN10A):c.773G>C (p.Ser258Thr)

Gene: SCN10A (sodium voltage-gated channel alpha subunit 10; minus strand). Cytogenetic location: 3p22.2.
Variant type: single nucleotide variant.
Coding change: c.773G>C on transcript NM_006514.4 (MANE Select); coding-DNA position 773, G replaced by C.
Protein change: p.Ser258Thr; replaces serine 258 with threonine.
Molecular consequence: missense variant.
Genome position (GRCh38, 1-based): chr3:38,761,302, C>G on the plus strand (G>C on the coding strand, the complement: SCN10A is on the minus strand). VCF-style: chr3-38761302-C-G. GRCh37 (hg19) VCF-style: chr3-38802793-C-G.
Other names: c.773G>C, p.Ser258Thr (NM_001293306.2, NM_001293307.2); short protein forms S258T.
Identifiers: ClinVar variation 5041494 (VCV005041494.1).